The following is an entry in ClinVar:

NM_001278064.2(GRM1):c.1982G>A (p.Arg661His)

Gene: GRM1 (glutamate metabotropic receptor 1; plus strand). Cytogenetic location: 6q24.3.
Variant type: single nucleotide variant.
Coding change: c.1982G>A on transcript NM_001278064.2 (MANE Select); coding-DNA position 1982, G replaced by A.
Protein change: p.Arg661His; replaces arginine 661 with histidine.
Molecular consequence: missense variant.
Genome position (GRCh38, 1-based): chr6:146,399,021, G>A. VCF-style: chr6-146399021-G-A. GRCh37 (hg19) VCF-style: chr6-146720157-G-A.
Other names: NM_000838.3:c.1982G>A; c.1982G>A, p.Arg661His (NM_001278065.2, NM_001278066.1, NM_001278067.1); short protein forms R661H.
Identifiers: ClinVar variation 804880 (VCV000804880.9), dbSNP rs200495057, ClinGen allele CA4037402.

ClinVar aggregate classification (germline): Uncertain significance. Review status: criteria provided, multiple submitters, no conflicts (2 of 4 stars). 3 submissions from 3 submitters: Uncertain significance (3). Last evaluated 2025-02-21.

Conditions:
Inborn genetic diseases. Identifiers: MedGen C0950123, MeSH D030342.
GRM1-related disorder. Also called: GRM1-related condition.

Allele frequency attached by ClinVar (database versions not stated): TOPMed 0.00005; gnomAD 0.00009 and 0.00011; 1000 Genomes Project 30x 0.00016; 1000 Genomes Project 0.00020; gnomAD exomes 0.00029; ExAC 0.00040.
gnomAD v4.1: 214 of 1,613,950 alleles (0.013%); highest among the groups gnomAD compares: South Asian, 0.037%; no homozygotes.

Submissions (3):

Athena Diagnostics
Classification: Uncertain significance. Last evaluated: 2025-02-21. Review status: criteria provided, single submitter. Criteria: Athena Diagnostics Criteria. Collection method: clinical testing. Allele origin: unknown.
Comment: Available data are insufficient to determine the clinical significance of the variant at this time. The frequency of this variant in the general population is higher than would generally be expected for pathogenic variants in this gene. Polyphen and MutationTaster predict this amino acid change may be damaging to the protein.

PreventionGenetics, part of Exact Sciences
Classification: Uncertain significance for GRM1-related condition. Last evaluated: 2025-02-03. Review status: criteria provided, single submitter. Criteria: ACMG Guidelines, 2015. Collection method: clinical testing. Allele origin: germline.
Comment: The GRM1 c.1982G>A variant is predicted to result in the amino acid substitution p.Arg661His. To our knowledge, this variant has not been reported in the literature. This variant is reported in 0.11% of alleles in individuals of European (Finnish) descent in gnomAD. Although we suspect that this variant may be benign, at this time, the clinical significance of this variant is uncertain due to the absence of conclusive functional and genetic evidence.

Ambry Genetics
Classification: Uncertain significance for Inborn genetic diseases. Last evaluated: 2021-02-12. Review status: criteria provided, single submitter. Criteria: Ambry Variant Classification Scheme 2023. Collection method: clinical testing. Allele origin: germline.
Comment: The alterations results in an amino acid change:_x000D_ _x000D_ The c.1982G>A (p.R661H) alteration is located in exon 8 (coding exon 7) of the GRM1 gene. This alteration results from a G to A substitution at nucleotide position 1982, causing the arginine (R) at amino acid position 661 to be replaced by a histidine (H). The alteration is rare in population databases:_x000D_ _x000D_ Based on data from the Genome Aggregation Database (gnomAD), the GRM1 c.1982G>A alteration was observed in 0.028% (78/282,532) of total alleles studied. The altered amino acid is conserved throughout evolution:_x000D_ _x000D_ The p.R661 amino acid is conserved in available vertebrate species. The p.R661H alteration is predicted to be deleterious by in silico analysis. Based on insufficient or conflicting evidence, the clinical significance of this alteration remains unclear.